The following is an entry in ClinVar:

ClinVar aggregate classification (germline): Pathogenic. Review status: criteria provided, multiple submitters, no conflicts (2 of 4 stars). 3 submissions from 3 submitters: Pathogenic (2). 1 of the submissions does not count toward it. Last evaluated 2024-02-22.

Conditions:
Paragangliomas with sensorineural hearing loss. Identifiers: MedGen C1868633.
Pheochromocytoma. Also called: MAX-Related Hereditary Paraganglioma-Pheochromocytoma Syndrome. Identifiers: Orphanet 29072, MedGen C0031511, MONDO:0008233, OMIM 171300, HP:0002666.
Cowden syndrome 3 (CWS3). Identifiers: Orphanet 201, MedGen CN166604, MONDO:0014045.
Carney-Stratakis syndrome. Also called: PARAGANGLIOMA AND GASTROINTESTINAL STROMAL TUMOR. Identifiers: Orphanet 97286, MedGen C1847319, MONDO:0011740, OMIM 606864.
Hereditary cancer-predisposing syndrome. Also called: Neoplastic Syndromes, Hereditary; Hereditary neoplastic syndrome; Tumor predisposition; Hereditary Cancer Syndrome. Identifiers: Orphanet 140162, MedGen C0027672, MeSH D009386, MONDO:0015356.
Hereditary pheochromocytoma and paraganglioma. Also called: Hereditary Paraganglioma-Pheochromocytoma Syndromes; Hereditary paragangliomas and pheochromocytomas; Hereditary pheochromocytoma-paraganglioma. Identifiers: Orphanet 29072, MedGen C4274332, MONDO:0017366.

Submissions (3):

Ambry Genetics
Classification: Pathogenic for Hereditary cancer-predisposing syndrome. Last evaluated: 2024-02-22. Review status: criteria provided, single submitter. Criteria: Ambry Variant Classification Scheme 2023. Collection method: clinical testing. Allele origin: germline.
Comment: The c.381delG pathogenic mutation, located in coding exon 4 of the SDHD gene, results from a deletion of one nucleotide at nucleotide position 381, causing a translational frameshift with a predicted alternate stop codon (p.L128Ffs*7). This alteration occurs at the 3' terminus of theSDHD gene, is not expected to trigger nonsense-mediated mRNA decay, and impacts the last 20% of the protein. However, premature stop codons are typically deleterious in nature and the impacted region is critical for protein function and a significant portion of the protein is affected (Ambry internal data). This variant was reported in multiple individuals with features consistent with SDHD-related paraganglioma-pheochromocytoma syndrome (Baysal BE et al. J Med Genet, 2002 Mar;39:178-83; Sen I et al. J Vasc Surg, 2020 May;71:1602-1612.e2). This variant is considered to be rare based on population cohorts in the Genome Aggregation Database (gnomAD). Based on the supporting evidence, this alteration is interpreted as a disease-causing mutation.

Labcorp Genetics (formerly Invitae), Labcorp
Classification: Pathogenic for Carney-Stratakis syndrome; Paragangliomas with sensorineural hearing loss; Pheochromocytoma; Cowden syndrome 3. Last evaluated: 2023-07-03. Review status: criteria provided, single submitter. Criteria: Invitae Variant Classification Sherloc (09022015). Collection method: clinical testing. Allele origin: germline.
Comment: This sequence change creates a premature translational stop signal (p.Leu128Phefs*7) in the SDHD gene. While this is not anticipated to result in nonsense mediated decay, it is expected to disrupt the last 32 amino acid(s) of the SDHD protein. This variant is not present in population databases (gnomAD no frequency). This premature translational stop signal has been observed in individual(s) with head and neck paragangliomas (PMID: 11897817). This variant is also known as c.381-383delG (p.L128fsX134). ClinVar contains an entry for this variant (Variation ID: 438439). This variant disrupts a region of the SDHD protein in which other variant(s) (p.Ser132Glnfs*3) have been determined to be pathogenic (PMID: 21348866). This suggests that this is a clinically significant region of the protein, and that variants that disrupt it are likely to be disease-causing. For these reasons, this variant has been classified as Pathogenic.

Section on Medical Neuroendocrinolgy, National Institutes of Health
Classification: Pathogenic for Hereditary pheochromocytoma and paraganglioma. Review status: no assertion criteria provided. Collection method: research. Allele origin: germline. Not counted in ClinVar's aggregate classification.

Literature cited by the submitters: PubMed 11897817 (cited by Ambry Genetics and Labcorp Genetics (formerly Invitae), Labcorp); PubMed 32035780 (cited by Ambry Genetics); PubMed 21348866 (cited by Labcorp Genetics (formerly Invitae), Labcorp).

NM_003002.4(SDHD):c.381del (p.Leu128fs)

Gene: SDHD (succinate dehydrogenase complex subunit D; plus strand). Cytogenetic location: 11q23.1.
Variant type: Deletion.
Coding change: c.381del on transcript NM_003002.4 (MANE Select); coding-DNA position 381, one base deleted (G; older notation c.381delG).
Protein change: p.Leu128fs; shifts the reading frame from leucine 128.
Molecular consequence: frameshift variant. On other transcripts: 3 prime UTR variant (1), non-coding transcript variant (1).
Genome position (GRCh38, 1-based): chr11:112,094,871, G deleted; the last of 3 consecutive G bases (chr11:112,094,869-112,094,871); deleting any one gives the same sequence. VCF-style (leftmost placement, unchanged base first): chr11-112094868-AG-A. GRCh37 (hg19) VCF-style: chr11-111965592-AG-A.
Other names: c.381delG (NM_003002.2); c.236del, p.Gly79fs (NM_001276503.2); c.264del, p.Leu89fs (NM_001276504.2); c.*79del (NM_001276506.2); short protein forms G79fs, L128fs, L89fs.
Identifiers: ClinVar variation 438439 (VCV000438439.13), dbSNP rs1555187601, ClinGen allele CA645509540.